The following is an entry in ClinVar:

ClinVar aggregate classification (germline): Uncertain significance. Review status: criteria provided, multiple submitters, no conflicts (2 of 4 stars). 3 submissions from 3 submitters: Uncertain significance (3). Last evaluated 2025-03-04.

Conditions:
Hereditary cancer-predisposing syndrome. Also called: Neoplastic Syndromes, Hereditary; Tumor predisposition; Hereditary Cancer Syndrome; Hereditary neoplastic syndrome. Identifiers: Orphanet 140162, MedGen C0027672, MeSH D009386, MONDO:0015356.

gnomAD v4.1: 1 of 1,613,882 alleles (0.000062%); highest among the groups gnomAD compares: Non-Finnish European, 0.000085%; no homozygotes.

Submissions (3):

Labcorp Genetics (formerly Invitae), Labcorp
Classification: Uncertain significance. Last evaluated: 2025-03-04. Review status: criteria provided, single submitter. Criteria: Invitae Variant Classification Sherloc (09022015). Collection method: clinical testing. Allele origin: germline.
Comment: This sequence change replaces lysine, which is basic and polar, with arginine, which is basic and polar, at codon 375 of the MSH3 protein (p.Lys375Arg). This variant is not present in population databases (gnomAD no frequency). This variant has not been reported in the literature in individuals affected with MSH3-related conditions. ClinVar contains an entry for this variant (Variation ID: 1798610). An algorithm developed to predict the effect of missense changes on protein structure and function (PolyPhen-2) suggests that this variant is likely to be tolerated. Studies have shown that this missense change is associated with inconclusive levels of altered splicing (internal data). In summary, the available evidence is currently insufficient to determine the role of this variant in disease. Therefore, it has been classified as a Variant of Uncertain Significance.

GeneDx
Classification: Uncertain significance. Last evaluated: 2024-01-28. Review status: criteria provided, single submitter. Criteria: GeneDx Variant Classification Process June 2021. Collection method: clinical testing. Allele origin: germline. Affected: yes.
Comment: Not observed at significant frequency in large population cohorts (gnomAD); In silico analysis supports that this missense variant does not alter protein structure/function; Has not been previously published as pathogenic or benign to our knowledge

Ambry Genetics
Classification: Uncertain significance for Hereditary cancer-predisposing syndrome. Last evaluated: 2022-02-28. Review status: criteria provided, single submitter. Criteria: Ambry Variant Classification Scheme 2023. Collection method: clinical testing. Allele origin: germline.
Comment: The p.K375R variant (also known as c.1124A>G), located in coding exon 7 of the MSH3 gene, results from an A to G substitution at nucleotide position 1124. The lysine at codon 375 is replaced by arginine, an amino acid with highly similar properties. This amino acid position is conserved. In addition, this alteration is predicted to be tolerated by in silico analysis. Since supporting evidence is limited at this time, the clinical significance of this alteration remains unclear.

NM_002439.5(MSH3):c.1124A>G (p.Lys375Arg)

Gene: MSH3 (mutS homolog 3; plus strand). Cytogenetic location: 5q14.1.
Variant type: single nucleotide variant.
Coding change: c.1124A>G on transcript NM_002439.5 (MANE Select); coding-DNA position 1124, A replaced by G.
Protein change: p.Lys375Arg; replaces lysine 375 with arginine.
Molecular consequence: missense variant.
Genome position (GRCh38, 1-based): chr5:80,675,079, A>G. VCF-style: chr5-80675079-A-G. GRCh37 (hg19) VCF-style: chr5-79970898-A-G.
Other names: c.1124A>G (NM_002439.4); short protein forms K375R.
Identifiers: ClinVar variation 1798610 (VCV001798610.6), dbSNP rs773431505, ClinGen allele CA360268182.
Genomic context (GRCh38, chr5:80,675,079, plus strand): 5'-ATGTTGATGAGATAATGACTGATACTTCTACCAGCTATCTTCTGTGCATCTCTGAAAATA[A>G]GGAAAATGTTAGGGACAAAAAAAAGGGCAACATTTTTATTGGCATTGTGGTAAGTACTTT-3'
Protein context (NP_002430.3, residues 365-385): TSYLLCISEN[Lys375Arg]ENVRDKKKGN